The following is an entry in ClinVar:

NM_052874.5(STX1B):c.538-7_538-6insG

Gene: STX1B (syntaxin 1B; minus strand). Cytogenetic location: 16p11.2.
Variant type: Insertion.
Coding change: c.538-7_538-6insG on transcript NM_052874.5 (MANE Select); 7 bases into the intron before coding-DNA position 538 through 6 bases into the intron before coding-DNA position 538, G inserted.
Molecular consequence: intron variant.
Genome position: GRCh38 VCF-style: chr16-30993490-G-GC. GRCh37 (hg19) VCF-style: chr16-31004811-G-GC.
Identifiers: ClinVar variation 2729708 (VCV002729708.3), dbSNP rs757385065, ClinGen allele CA8018321.

ClinVar aggregate classification (germline): Uncertain significance (1 of 4 stars; one submission).

Conditions:
Generalized epilepsy with febrile seizures plus, type 9 (GEFSP9). Also called: GEFS+, TYPE 9. Identifiers: Orphanet 36387, MedGen C4015395, MONDO:0014517, OMIM 616172.

Allele frequency attached by ClinVar (database versions not stated): gnomAD exomes below 0.00001; ExAC 0.00002.

Submission:

Labcorp Genetics (formerly Invitae), Labcorp
Classification: Uncertain significance for Generalized epilepsy with febrile seizures plus, type 9. Last evaluated: 2023-12-01. Review status: criteria provided, single submitter. Criteria: Invitae Variant Classification Sherloc (09022015). Collection method: clinical testing. Allele origin: germline.
Comment: This sequence change falls in intron 7 of the STX1B gene. It does not directly change the encoded amino acid sequence of the STX1B protein. This variant is present in population databases (rs757385065, gnomAD 0.003%). This variant has not been reported in the literature in individuals affected with STX1B-related conditions. Algorithms developed to predict the effect of sequence changes on RNA splicing suggest that this variant may disrupt the consensus splice site. In summary, the available evidence is currently insufficient to determine the role of this variant in disease. Therefore, it has been classified as a Variant of Uncertain Significance.